The following is an entry in ClinVar:

NC_000020.10:g.(?_18491480)_(18496400_?)del

Gene: SEC23B (SEC23 homolog B, COPII component; plus strand). Cytogenetic location: 20p11.23.
Variant type: Deletion.
Identifiers: ClinVar variation 3248270 (VCV003248270.1).

ClinVar aggregate classification (germline): Pathogenic (1 of 4 stars; one submission).

Conditions:
Congenital dyserythropoietic anemia, type II (CDAN2). Also called: DYSERYTHROPOIETIC ANEMIA, HEMPAS TYPE. Identifiers: Orphanet 98873, MedGen C1306589, MONDO:0009134, OMIM 224100.
Cowden syndrome 7 (CWS7). Identifiers: Orphanet 201, MedGen C4225179, MONDO:0014802, OMIM 616858.

Submission:

Labcorp Genetics (formerly Invitae), Labcorp
Classification: Pathogenic for Congenital dyserythropoietic anemia, type II; Cowden syndrome 7. Last evaluated: 2023-08-29. Review status: criteria provided, single submitter. Criteria: Invitae Variant Classification Sherloc (09022015). Collection method: clinical testing. Allele origin: unknown.
Comment: This variant is a gross deletion of the genomic region encompassing exon(s) 2-4 of the SEC23B gene, which includes the initiator codon. This deletion extends beyond the assayed region for this gene and therefore may encompass additional genes. It is expected to result in an absent or disrupted protein product. Loss-of-function variants in SEC23B are known to be pathogenic (PMID: 19561605, 25044164). This variant has not been reported in the literature in individuals affected with SEC23B-related conditions. For these reasons, this variant has been classified as Pathogenic.

Literature cited by the submitters: PubMed 19561605; PubMed 25044164.